The following is an entry in ClinVar:

NM_020778.5(ALPK3):c.11G>T (p.Arg4Leu)

Gene: ALPK3 (alpha kinase 3; plus strand). Cytogenetic location: 15q25.3.
Variant type: single nucleotide variant.
Coding change: c.11G>T on transcript NM_020778.5 (MANE Select); coding-DNA position 11, G replaced by T.
Protein change: p.Arg4Leu; replaces arginine 4 with leucine.
Molecular consequence: missense variant.
Genome position (GRCh38, 1-based): chr15:84,817,463, G>T. VCF-style: chr15-84817463-G-T. GRCh37 (hg19) VCF-style: chr15-85360694-G-T.
Other names: c.617G>T (NM_020778.4); short protein forms R4L.
Identifiers: ClinVar variation 1939438 (VCV001939438.7), dbSNP rs1963372827, ClinGen allele CA393369283.

ClinVar aggregate classification (germline): Uncertain significance. Review status: criteria provided, multiple submitters, no conflicts (2 of 4 stars). 3 submissions from 3 submitters: Uncertain significance (3). Last evaluated 2025-12-16.

Conditions:
Cardiovascular phenotype. Identifiers: MedGen CN230736.

Allele frequency attached by ClinVar (database versions not stated): TOPMed 0.00001; gnomAD exomes 0.00002; gnomAD 0.00001.
gnomAD v4.1: 22 of 1,356,444 alleles (0.0016%); highest among the groups gnomAD compares: Non-Finnish European, 0.0021%; no homozygotes.

Submissions (3):

Ambry Genetics
Classification: Uncertain significance for Cardiovascular phenotype. Last evaluated: 2025-12-16. Review status: criteria provided, single submitter. Criteria: Ambry Variant Classification Scheme 2023. Collection method: clinical testing. Allele origin: germline.
Comment: The p.R206L variant (also known as c.617G>T), located in coding exon 1 of the ALPK3 gene, results from a G to T substitution at nucleotide position 617. The arginine at codon 206 is replaced by leucine, an amino acid with dissimilar properties. This amino acid position is conserved. In addition, this alteration is predicted to be tolerated by in silico analysis. Based on the available evidence, the clinical significance of this variant remains unclear.

Labcorp Genetics (formerly Invitae), Labcorp
Classification: Uncertain significance. Last evaluated: 2025-09-12. Review status: criteria provided, single submitter. Criteria: Invitae Variant Classification Sherloc (09022015). Collection method: clinical testing. Allele origin: germline.
Comment: This sequence change replaces arginine, which is basic and polar, with leucine, which is neutral and non-polar, at codon 206 of the ALPK3 protein (p.Arg206Leu). This variant is not present in population databases (gnomAD no frequency). This variant has not been reported in the literature in individuals affected with ALPK3-related conditions. ClinVar contains an entry for this variant (Variation ID: 1939438). An algorithm developed to predict the effect of missense changes on protein structure and function (PolyPhen-2) suggests that this variant is likely to be disruptive. In summary, the available evidence is currently insufficient to determine the role of this variant in disease. Therefore, it has been classified as a Variant of Uncertain Significance.

GeneDx
Classification: Uncertain significance. Last evaluated: 2023-11-20. Review status: criteria provided, single submitter. Criteria: GeneDx Variant Classification Process June 2021. Collection method: clinical testing. Allele origin: germline. Affected: yes.
Comment: Not observed at significant frequency in large population cohorts (gnomAD); In silico analysis supports that this missense variant has a deleterious effect on protein structure/function; Has not been previously published as pathogenic or benign to our knowledge